The following is an entry in ClinVar:

NM_005051.3(QARS1):c.326G>A (p.Arg109Gln)

Gene: QARS1 (glutaminyl-tRNA synthetase 1; minus strand). Cytogenetic location: 3p21.31.
Variant type: single nucleotide variant.
Coding change: c.326G>A on transcript NM_005051.3 (MANE Select); coding-DNA position 326, G replaced by A.
Protein change: p.Arg109Gln; replaces arginine 109 with glutamine.
Molecular consequence: missense variant. On other transcripts: non-coding transcript variant (1).
Genome position (GRCh38, 1-based): chr3:49,103,912, C>T on the plus strand (G>A on the coding strand, the complement: QARS1 is on the minus strand). VCF-style: chr3-49103912-C-T. GRCh37 (hg19) VCF-style: chr3-49141345-C-T.
Other names: c.293G>A, p.Arg98Gln (NM_001272073.2); short protein forms R109Q, R98Q.
Identifiers: ClinVar variation 3340272 (VCV003340272.1).

ClinVar aggregate classification (germline): Uncertain significance (1 of 4 stars; one submission).

Submission:

GeneDx
Classification: Uncertain significance. Last evaluated: 2023-12-27. Review status: criteria provided, single submitter. Criteria: GeneDx Variant Classification Process June 2021. Collection method: clinical testing. Allele origin: germline. Affected: yes.
Comment: Not observed at significant frequency in large population cohorts (gnomAD); In silico analysis supports that this missense variant does not alter protein structure/function; Has not been previously published as pathogenic or benign to our knowledge; This variant is associated with the following publications: (PMID: 25471517)